The following is an entry in ClinVar:

ClinVar aggregate classification (germline): Likely pathogenic. Review status: criteria provided, multiple submitters, no conflicts (2 of 4 stars). 3 submissions from 3 submitters: Likely pathogenic (3). Last evaluated 2026-01-05.

Conditions:
Multiple mitochondrial dysfunctions syndrome 1 (MMDS1). Identifiers: Orphanet 401869, MedGen C3276432, MONDO:0011582, OMIM 605711.

Allele frequency attached by ClinVar (database versions not stated): ExAC below 0.00001; gnomAD exomes 0.00001; ESP Exome Variant Server 0.00008; gnomAD 0.00008 and 0.00009; TOPMed 0.00011.
gnomAD v4.1: 19 of 1,560,704 alleles (0.0012%); highest among the groups gnomAD compares: African/African-American, 0.024%; no homozygotes.

Submissions (3):

Labcorp Genetics (formerly Invitae), Labcorp
Classification: Likely pathogenic for Multiple mitochondrial dysfunctions syndrome 1. Last evaluated: 2026-01-05. Review status: criteria provided, single submitter. Criteria: Invitae Variant Classification Sherloc (09022015). Collection method: clinical testing. Allele origin: germline.
Comment: This sequence change affects an acceptor splice site in intron 3 of the NFU1 gene. It is expected to disrupt RNA splicing. Variants that disrupt the donor or acceptor splice site typically lead to a loss of protein function (PMID: 16199547), and loss-of-function variants in NFU1 are known to be pathogenic (PMID: 25758857, 28470589, 28803783). This variant is present in population databases (rs371546359, gnomAD 0.01%). This variant has not been reported in the literature in individuals affected with NFU1-related conditions. ClinVar contains an entry for this variant (Variation ID: 214869). Algorithms developed to predict the effect of sequence changes on RNA splicing suggest that this variant may disrupt the consensus splice site. In summary, the currently available evidence indicates that the variant is pathogenic, but additional data are needed to prove that conclusively. Therefore, this variant has been classified as Likely Pathogenic.

GeneDx
Classification: Likely pathogenic. Last evaluated: 2025-01-29. Review status: criteria provided, single submitter. Criteria: GeneDx Variant Classification Process June 2021. Collection method: clinical testing. Allele origin: germline. Affected: yes.
Comment: Canonical splice site variant predicted to result in a null allele in a gene for which loss of function is a known mechanism of disease; Not observed at significant frequency in large population cohorts (gnomAD); Has not been previously published as pathogenic or benign to our knowledge

Women's Health and Genetics/Laboratory Corporation of America, LabCorp
Classification: Likely pathogenic for Multiple mitochondrial dysfunctions syndrome 1. Last evaluated: 2023-09-01. Review status: criteria provided, single submitter. Criteria: LabCorp Variant Classification Summary - May 2015. Collection method: clinical testing. Allele origin: germline.
Comment: Variant summary: NFU1 c.303-2A>T is located in a canonical splice-site and is predicted to affect mRNA splicing resulting in a significantly altered protein due to either exon skipping, shortening, or inclusion of intronic material. Several computational tools predict a significant impact on normal splicing: Four predict the variant abolishes a 3' acceptor site. Three predict the variant creates a 3' acceptor site. One predict the variant strengthens a cryptic 3' acceptor site. However, these predictions have yet to be confirmed by functional studies. The variant allele was found at a frequency of 8.5e-06 in 235150 control chromosomes. To our knowledge, no occurrence of c.303-2A>T in individuals affected with Multiple Mitochondrial Dysfunctions Syndrome 1 and no experimental evidence demonstrating its impact on protein function have been reported. Two submitters have cited clinical-significance assessments for this variant to ClinVar after 2014. All submitters classified the variant as likely pathogenic. Based on the evidence outlined above, the variant was classified as likely pathogenic.

Literature cited by the submitters: PubMed 16199547 (cited by Labcorp Genetics (formerly Invitae), Labcorp); PubMed 25758857 (cited by Labcorp Genetics (formerly Invitae), Labcorp); PubMed 28470589 (cited by Labcorp Genetics (formerly Invitae), Labcorp); PubMed 28803783 (cited by Labcorp Genetics (formerly Invitae), Labcorp).

NM_001002755.4(NFU1):c.303-2A>T

Gene: NFU1 (NFU1 iron-sulfur cluster scaffold; minus strand). Cytogenetic location: 2p13.3.
Variant type: single nucleotide variant.
Coding change: c.303-2A>T on transcript NM_001002755.4 (MANE Select); the canonical splice acceptor site of the intron before coding-DNA position 303, A replaced by T.
Molecular consequence: splice acceptor variant.
Genome position (GRCh38, 1-based): chr2:69,419,606, T>A on the plus strand (A>T on the coding strand, the complement: NFU1 is on the minus strand). VCF-style: chr2-69419606-T-A. GRCh37 (hg19) VCF-style: chr2-69646738-T-A.
Other names: c.231-2A>T (NM_015700.4, NM_001374284.1); c.-121-2A>T (NM_001002756.2).
Identifiers: ClinVar variation 214869 (VCV000214869.9), dbSNP rs371546359, ClinGen allele CA323331.